The following is an entry in ClinVar:

NM_000302.4(PLOD1):c.2001C>T (p.Ala667=)

Gene: PLOD1 (procollagen-lysine,2-oxoglutarate 5-dioxygenase 1; plus strand). Cytogenetic location: 1p36.22.
Variant type: single nucleotide variant.
Coding change: c.2001C>T on transcript NM_000302.4 (MANE Select); coding-DNA position 2001, C replaced by T.
Protein change: p.Ala667=; no amino-acid change (alanine 667 retained).
Molecular consequence: synonymous variant.
Genome position (GRCh38, 1-based): chr1:11,972,970, C>T. VCF-style: chr1-11972970-C-T. GRCh37 (hg19) VCF-style: chr1-12033027-C-T.
Other names: c.2142C>T, p.Ala714= (NM_001316320.2).
Identifiers: ClinVar variation 669817 (VCV000669817.1), dbSNP rs777554498, ClinGen allele CA598627.

ClinVar aggregate classification (germline): Likely benign (1 of 4 stars; one submission).

Allele frequency attached by ClinVar (database versions not stated): ExAC 0.00001; gnomAD exomes 0.00001 and below 0.00001.
gnomAD v4.1: 8 of 1,614,094 alleles (0.0005%); highest among the groups gnomAD compares: Non-Finnish European, 0.00068%; no homozygotes.

Submission:

GeneDx
Classification: Likely benign. Last evaluated: 2018-06-11. Review status: criteria provided, single submitter. Criteria: GeneDx Variant Classification (06012015). Collection method: clinical testing. Allele origin: germline. Affected: yes.
Comment: This variant is considered likely benign or benign based on one or more of the following criteria: it is a conservative change, it occurs at a poorly conserved position in the protein, it is predicted to be benign by multiple in silico algorithms, and/or has population frequency not consistent with disease.